The following is an entry in ClinVar:

ClinVar aggregate classification (germline): Uncertain significance (1 of 4 stars; one submission).

Conditions:
Neuropathy, hereditary sensory and autonomic, type 2A (HSAN2A). Also called: ACROOSTEOLYSIS, GIACCAI TYPE; ACROOSTEOLYSIS, NEUROGENIC; WNK1-Related HSAN2 (HSAN2A); MORVAN DISEASE; NEUROPATHY, CONGENITAL SENSORY; NEUROPATHY, HEREDITARY SENSORY RADICULAR, AUTOSOMAL RECESSIVE. Identifiers: Orphanet 970, MedGen C2752089, MONDO:0024309, OMIM 201300.
Generalized epilepsy with febrile seizures plus, type 7 (GEFSP7). Also called: GEFS+, TYPE 7. Identifiers: Orphanet 36387, MedGen C2751778, MONDO:0013470, OMIM 613863.

Submission:

Labcorp Genetics (formerly Invitae), Labcorp
Classification: Uncertain significance for Neuropathy, hereditary sensory and autonomic, type 2A; Generalized epilepsy with febrile seizures plus, type 7. Last evaluated: 2024-01-20. Review status: criteria provided, single submitter. Criteria: Invitae Variant Classification Sherloc (09022015). Collection method: clinical testing. Allele origin: germline.
Comment: This sequence change replaces proline, which is neutral and non-polar, with leucine, which is neutral and non-polar, at codon 325 of the SCN9A protein (p.Pro325Leu). This variant is not present in population databases (gnomAD no frequency). This variant has not been reported in the literature in individuals affected with SCN9A-related conditions. Advanced modeling of protein sequence and biophysical properties (such as structural, functional, and spatial information, amino acid conservation, physicochemical variation, residue mobility, and thermodynamic stability) has been performed at Invitae for this missense variant, however the output from this modeling did not meet the statistical confidence thresholds required to predict the impact of this variant on SCN9A protein function. Algorithms developed to predict the effect of sequence changes on RNA splicing suggest that this variant may disrupt the consensus splice site. In summary, the available evidence is currently insufficient to determine the role of this variant in disease. Therefore, it has been classified as a Variant of Uncertain Significance.

NM_001365536.1(SCN9A):c.974C>T (p.Pro325Leu)

Genes: SCN1A-AS1 (SCN1A and SCN9A antisense RNA 1; plus strand), SCN9A (sodium voltage-gated channel alpha subunit 9; minus strand). Cytogenetic location: 2q24.3.
Variant type: single nucleotide variant.
Coding change: c.974C>T on transcript NM_001365536.1 (MANE Select); coding-DNA position 974, C replaced by T.
Protein change: p.Pro325Leu; replaces proline 325 with leucine.
Molecular consequence: missense variant.
Genome position (GRCh38, 1-based): chr2:166,293,364, G>A on the plus strand (C>T on the coding strand, the complement: SCN9A is on the minus strand). VCF-style: chr2-166293364-G-A. GRCh37 (hg19) VCF-style: chr2-167149874-G-A.
Other names: c.974C>T, p.Pro325Leu (NM_002977.4); short protein forms P325L.
Identifiers: ClinVar variation 2928677 (VCV002928677.3), dbSNP rs1211174789, ClinGen allele CA349089398.